The following is an entry in ClinVar:

ClinVar aggregate classification (germline): Uncertain significance (1 of 4 stars; one submission).

Conditions:
Neurofibromatosis, type 1 (NF1). Also called: VON RECKLINGHAUSEN DISEASE; NEUROFIBROMATOSIS, TYPE I, SOMATIC; Peripheral type neurofibromatosis; Neurofibromatosis, type I. Identifiers: Orphanet 636, MedGen C0027831, MONDO:0018975, OMIM 162200. Disease mechanism: loss of function.

Submission:

Labcorp Genetics (formerly Invitae), Labcorp
Classification: Uncertain significance for Neurofibromatosis, type 1. Last evaluated: 2017-11-01. Review status: criteria provided, single submitter. Criteria: Invitae Variant Classification Sherloc (09022015). Collection method: clinical testing. Allele origin: germline.
Comment: This sequence change replaces serine with cysteine at codon 2072 of the NF1 protein (p.Ser2072Cys). The serine residue is moderately conserved and there is a moderate physicochemical difference between serine and cysteine. This variant is not present in population databases (ExAC no frequency). This variant has not been reported in the literature in individuals with NF1-related disease. Algorithms developed to predict the effect of missense changes on protein structure and function do not agree on the potential impact of this missense change (SIFT: "Tolerated"; PolyPhen-2: "Possibly Damaging"; Align-GVGD: "Class C0"). In summary, the available evidence is currently insufficient to determine the role of this variant in disease. Therefore, it has been classified as a Variant of Uncertain Significance.

NM_001042492.3(NF1):c.6278C>G (p.Ser2093Cys)

Gene: NF1 (neurofibromin 1; plus strand). Cytogenetic location: 17q11.2.
Variant type: single nucleotide variant.
Coding change: c.6278C>G on transcript NM_001042492.3 (MANE Select); coding-DNA position 6278, C replaced by G.
Protein change: p.Ser2093Cys; replaces serine 2093 with cysteine.
Molecular consequence: missense variant.
Genome position (GRCh38, 1-based): chr17:31,336,765, C>G. VCF-style: chr17-31336765-C-G. GRCh37 (hg19) VCF-style: chr17-29663783-C-G.
Other names: c.6215C>G, p.Ser2072Cys (NM_000267.4); short protein forms S2093C, S2072C.
Identifiers: ClinVar variation 527501 (VCV000527501.5), dbSNP rs1555534698, ClinGen allele CA399012196.